The following is an entry in ClinVar:

ClinVar aggregate classification (germline): Uncertain significance (1 of 4 stars; one submission).

Submission:

Labcorp Genetics (formerly Invitae), Labcorp
Classification: Uncertain significance. Last evaluated: 2021-10-18. Review status: criteria provided, single submitter. Criteria: Invitae Variant Classification Sherloc (09022015). Collection method: clinical testing. Allele origin: germline.
Comment: This variant, c.46_60dup, results in the insertion of 5 amino acid(s) to the LRP5 protein (p.Leu16_Leu20dup), but otherwise preserves the integrity of the reading frame. The frequency data for this variant in the population databases is considered unreliable, as metrics indicate insufficient coverage at this position in the ExAC database. This variant has not been reported in the literature in individuals affected with LRP5-related conditions. Experimental studies and prediction algorithms are not available or were not evaluated, and the functional significance of this variant is currently unknown. In summary, the available evidence is currently insufficient to determine the role of this variant in disease. Therefore, it has been classified as a Variant of Uncertain Significance.

NM_002335.4(LRP5):c.34CTG[14] (p.Leu16_Leu20dup)

Gene: LRP5 (LDL receptor related protein 5; plus strand). Cytogenetic location: 11q13.2.
Variant type: Microsatellite.
Coding change: c.34CTG[14] on transcript NM_002335.4 (MANE Select); 14 copies in a row of the 3-base unit CTG starting at c.34; the reference has nine copies in a row; five copies, 15 bases duplicated.
Protein change: p.Leu16_Leu20dup.
Molecular consequence: inframe insertion. On other transcripts: 5 prime UTR variant (1).
Genome position (GRCh38, 1-based): chr11:68,312,760-68,312,774, CTGCTGCTGCTGCTG duplicated; duplicating any 15 consecutive bases within chr11:68,312,747-68,312,774 gives the same sequence; the position shown is the placement nearest the transcript's 3' end. VCF-style (leftmost placement, unchanged base first): chr11-68312746-C-CGCTGCTGCTGCTGCT. GRCh37 (hg19) VCF-style: chr11-68080214-C-CGCTGCTGCTGCTGCT.
Other names: c.-1732CTG[14] (NM_001291902.2).
Identifiers: ClinVar variation 1419060 (VCV001419060.6), dbSNP rs72555376, ClinGen allele CA2580615749.